The following is an entry in ClinVar:

ClinVar aggregate classification (germline): Conflicting classifications of pathogenicity. Review status: criteria provided, conflicting classifications (1 of 4 stars). 8 submissions from 8 submitters: Uncertain significance (1); Benign (2); Likely benign (2). 3 of the submissions do not count toward it. Last evaluated 2026-04-01.

Conditions:
FGFR3-related disorder. Also called: FGFR3-related disorders.

Allele frequency attached by ClinVar (database versions not stated): ESP Exome Variant Server 0.00039; gnomAD 0.00039 and 0.00045; 1000 Genomes Project 0.00040; 1000 Genomes Project 30x 0.00047; TOPMed 0.00062; gnomAD exomes 0.00064 and 0.00074; ExAC 0.00076.
gnomAD v4.1: 1,161 of 1,612,322 alleles (0.072%); highest among the groups gnomAD compares: Middle Eastern, 0.2%; 1 homozygote.

Submissions (8):

CeGaT Center for Human Genetics Tuebingen
Classification: Likely benign. Last evaluated: 2026-04-01. Review status: criteria provided, single submitter. Criteria: CeGaT Center For Human Genetics Tuebingen Variant Classification Criteria Version 2. Collection method: clinical testing. Allele origin: germline. Affected: yes. Observed: 3 variant alleles.
Comment: FGFR3: BP4, BP7

Labcorp Genetics (formerly Invitae), Labcorp
Classification: Benign. Last evaluated: 2025-12-08. Review status: criteria provided, single submitter. Criteria: Invitae Variant Classification Sherloc (09022015). Collection method: clinical testing. Allele origin: germline.

Blueprint Genetics
Classification: Likely benign. Last evaluated: 2024-10-30. Review status: criteria provided, single submitter. Criteria: ACMG Guidelines, 2015. Collection method: clinical testing. Allele origin: germline.

GeneDx
Classification: Benign. Last evaluated: 2019-02-01. Review status: criteria provided, single submitter. Criteria: GeneDx Variant Classification Process June 2021. Collection method: clinical testing. Allele origin: germline. Affected: yes.

Eurofins Ntd Llc (ga)
Classification: Uncertain significance. Last evaluated: 2014-12-19. Review status: criteria provided, single submitter. Criteria: EGL Classification Definitions 2015. Collection method: clinical testing. Allele origin: germline. Observed: 2 variant alleles, 2 heterozygotes.

PreventionGenetics, part of Exact Sciences
Classification: Likely benign for FGFR3-related condition. Last evaluated: 2019-05-21. Review status: no assertion criteria provided. Collection method: clinical testing. Allele origin: germline. Not counted in ClinVar's aggregate classification.
Comment: This variant is classified as likely benign based on ACMG/AMP sequence variant interpretation guidelines (Richards et al. 2015 PMID: 25741868, with internal and published modifications).

Joint Genome Diagnostic Labs from Nijmegen and Maastricht, Radboudumc and MUMC+
Classification: Likely benign. Review status: no assertion criteria provided. Collection method: clinical testing. Allele origin: germline. Affected: yes. Study: VKGL Data-share Consensus. Not counted in ClinVar's aggregate classification.

Laboratory of Diagnostic Genome Analysis, Leiden University Medical Center (LUMC)
Classification: Likely benign. Review status: no assertion criteria provided. Collection method: clinical testing. Allele origin: germline. Affected: yes. Study: VKGL Data-share Consensus. Not counted in ClinVar's aggregate classification.

NM_000142.5(FGFR3):c.252G>A (p.Ser84=)

Gene: FGFR3 (fibroblast growth factor receptor 3; plus strand). Cytogenetic location: 4p16.3.
Variant type: single nucleotide variant.
Coding change: c.252G>A on transcript NM_000142.5 (MANE Select); coding-DNA position 252, G replaced by A.
Protein change: p.Ser84=; no amino-acid change (serine 84 retained).
Molecular consequence: synonymous variant. On other transcripts: non-coding transcript variant (1).
Genome position (GRCh38, 1-based): chr4:1,799,396, G>A. VCF-style: chr4-1799396-G-A. GRCh37 (hg19) VCF-style: chr4-1801123-G-A.
Other names: c.252G>A, p.Ser84= (NM_001163213.2, NM_001354809.2, NM_001354810.2 and 1 more transcripts).
Identifiers: ClinVar variation 196219 (VCV000196219.56), dbSNP rs367973461, ClinGen allele CA243108.